The following is an entry in ClinVar:

NM_001008537.3(NEXMIF):c.16G>T (p.Asp6Tyr)

Gene: NEXMIF (neurite extension and migration factor; minus strand). Cytogenetic location: Xq13.3.
Variant type: single nucleotide variant.
Coding change: c.16G>T on transcript NM_001008537.3 (MANE Select); coding-DNA position 16, G replaced by T.
Protein change: p.Asp6Tyr; replaces aspartic acid 6 with tyrosine.
Molecular consequence: missense variant.
Genome position (GRCh38, 1-based): chrX:74,745,635, C>A on the plus strand (G>T on the coding strand, the complement: NEXMIF is on the minus strand). VCF-style: chrX-74745635-C-A. GRCh37 (hg19) VCF-style: chrX-73965470-C-A.
Other names: short protein forms D6Y.
Identifiers: ClinVar variation 579446 (VCV000579446.8), dbSNP rs1569336346, ClinGen allele CA413674710.
Genomic context (GRCh38, chrX:74,745,635, plus strand): 5'-TTTCTTTGACCCCATTAATCAGAGTGTTTTCTCCGTTGGCTGAGGCAACAATAGCCTTAT[C>A]TTGTTGGTTATCCATGAATATAACCTCTTATTGTTTCATTCCAAGTCCAAATGCTGTCCA-3'
Protein context (NP_001008537.1, residues 1-16): MDNQQ[Asp6Tyr]KAIVASANGE

ClinVar aggregate classification (germline): Uncertain significance (1 of 4 stars; one submission).

Submission:

Labcorp Genetics (formerly Invitae), Labcorp
Classification: Uncertain significance. Last evaluated: 2022-08-16. Review status: criteria provided, single submitter. Criteria: Invitae Variant Classification Sherloc (09022015). Collection method: clinical testing. Allele origin: germline.
Comment: Algorithms developed to predict the effect of missense changes on protein structure and function (SIFT, PolyPhen-2, Align-GVGD) all suggest that this variant is likely to be disruptive. In summary, the available evidence is currently insufficient to determine the role of this variant in disease. Therefore, it has been classified as a Variant of Uncertain Significance. ClinVar contains an entry for this variant (Variation ID: 579446). This variant has not been reported in the literature in individuals affected with NEXMIF-related conditions. This variant is not present in population databases (gnomAD no frequency). This sequence change replaces aspartic acid, which is acidic and polar, with tyrosine, which is neutral and polar, at codon 6 of the NEXMIF protein (p.Asp6Tyr).